The following is an entry in ClinVar:

ClinVar aggregate classification (germline): Likely pathogenic (1 of 4 stars; one submission).

Submission:

GeneDx
Classification: Likely pathogenic. Last evaluated: 2025-07-01. Review status: criteria provided, single submitter. Criteria: GeneDx Variant Classification Process June 2021. Collection method: clinical testing. Allele origin: germline. Affected: yes.
Comment: Not observed at significant frequency in large population cohorts (gnomAD); Missense variants in this gene are a common cause of disease and they are underrepresented in the general population; In silico analysis suggests that this missense variant does not alter protein structure/function; Has not been previously published as pathogenic or benign to our knowledge

NM_001101.5(ACTB):c.1045C>A (p.Leu349Met)

Gene: ACTB (actin beta; minus strand). Cytogenetic location: 7p22.1.
Variant type: single nucleotide variant.
Coding change: c.1045C>A on transcript NM_001101.5 (MANE Select); coding-DNA position 1045, C replaced by A.
Protein change: p.Leu349Met; replaces leucine 349 with methionine.
Molecular consequence: missense variant.
Genome position (GRCh38, 1-based): chr7:5,527,831, G>T on the plus strand (C>A on the coding strand, the complement: ACTB is on the minus strand). VCF-style: chr7-5527831-G-T. GRCh37 (hg19) VCF-style: chr7-5567462-G-T.
Other names: short protein forms L349M.
Identifiers: ClinVar variation 4681092 (VCV004681092.1).
Genomic context (GRCh38, chr7:5,527,831, plus strand): 5'-TGGAGGGGCCGGACTCGTCATACTCCTGCTTGCTGATCCACATCTGCTGGAAGGTGGACA[G>T]CGAGGCCAGGATGGAGCCGCCGATCCACACGGAGTACTTGCGCTCAGGAGGAGCAATGAT-3'
Protein context (NP_001092.1, residues 339-359): VWIGGSILAS[Leu349Met]STFQQMWISK